The following is an entry in ClinVar:

NM_001130004.2(ACTN1):c.872G>A (p.Arg291His)

Gene: ACTN1 (actinin alpha 1; minus strand). Cytogenetic location: 14q24.1.
Variant type: single nucleotide variant.
Coding change: c.872G>A on transcript NM_001130004.2 (MANE Select); coding-DNA position 872, G replaced by A.
Protein change: p.Arg291His; replaces arginine 291 with histidine.
Molecular consequence: missense variant.
Genome position (GRCh38, 1-based): chr14:68,892,267, C>T on the plus strand (G>A on the coding strand, the complement: ACTN1 is on the minus strand). VCF-style: chr14-68892267-C-T. GRCh37 (hg19) VCF-style: chr14-69358984-C-T.
Other names: c.872G>A, p.Arg291His (NM_001102.4, NM_001130005.2, NM_001411035.1); c.677G>A, p.Arg226His (NM_001411036.1); short protein forms R226H, R291H.
Identifiers: ClinVar variation 2178943 (VCV002178943.7), dbSNP rs78516994, ClinGen allele CA7242521.

ClinVar aggregate classification (germline): Benign/Likely benign. Review status: criteria provided, multiple submitters, no conflicts (2 of 4 stars). 3 submissions from 3 submitters: Benign (1); Likely benign (1). 1 of the submissions does not count toward it. Last evaluated 2026-01-18.

Conditions:
ACTN1-related disorder. Also called: ACTN1-related condition.

Allele frequency attached by ClinVar (database versions not stated): TOPMed 0.00005; gnomAD 0.00017; ExAC 0.00029; gnomAD exomes 0.00042; 1000 Genomes Project 30x 0.00094; 1000 Genomes Project 0.00120.
gnomAD v4.1: 626 of 1,612,968 alleles (0.039%); highest among the groups gnomAD compares: East Asian, 1.3%; 8 homozygotes.

Submissions (3):

Labcorp Genetics (formerly Invitae), Labcorp
Classification: Benign. Last evaluated: 2026-01-18. Review status: criteria provided, single submitter. Criteria: Invitae Variant Classification Sherloc (09022015). Collection method: clinical testing. Allele origin: germline.

Blueprint Genetics
Classification: Likely benign. Last evaluated: 2024-09-17. Review status: criteria provided, single submitter. Criteria: ACMG Guidelines, 2015. Collection method: clinical testing. Allele origin: germline.

PreventionGenetics, part of Exact Sciences
Classification: Likely benign for ACTN1-related condition. Last evaluated: 2023-08-15. Review status: no assertion criteria provided. Collection method: clinical testing. Allele origin: germline. Not counted in ClinVar's aggregate classification.
Comment: This variant is classified as likely benign based on ACMG/AMP sequence variant interpretation guidelines (Richards et al. 2015 PMID: 25741868, with internal and published modifications).